The following is an entry in ClinVar:

ClinVar aggregate classification (germline): Uncertain significance (1 of 4 stars; one submission).

Submission:

Labcorp Genetics (formerly Invitae), Labcorp
Classification: Uncertain significance. Last evaluated: 2022-10-13. Review status: criteria provided, single submitter. Criteria: Invitae Variant Classification Sherloc (09022015). Collection method: clinical testing. Allele origin: germline.
Comment: Algorithms developed to predict the effect of missense changes on protein structure and function (SIFT, PolyPhen-2, Align-GVGD) all suggest that this variant is likely to be tolerated. This variant has not been reported in the literature in individuals affected with MPDZ-related conditions. This variant is present in population databases (rs377282513, gnomAD no frequency). This sequence change replaces proline, which is neutral and non-polar, with alanine, which is neutral and non-polar, at codon 355 of the MPDZ protein (p.Pro355Ala). In summary, the available evidence is currently insufficient to determine the role of this variant in disease. Therefore, it has been classified as a Variant of Uncertain Significance.

NM_001378778.1(MPDZ):c.1063C>G (p.Pro355Ala)

Gene: MPDZ (multiple PDZ domain crumbs cell polarity complex component; minus strand). Cytogenetic location: 9p23.
Variant type: single nucleotide variant.
Coding change: c.1063C>G on transcript NM_001378778.1 (MANE Select); coding-DNA position 1063, C replaced by G.
Protein change: p.Pro355Ala; replaces proline 355 with alanine.
Molecular consequence: missense variant.
Genome position (GRCh38, 1-based): chr9:13,219,582, G>C on the plus strand (C>G on the coding strand, the complement: MPDZ is on the minus strand). VCF-style: chr9-13219582-G-C. GRCh37 (hg19) VCF-style: chr9-13219581-G-C.
Other names: c.1063C>G, p.Pro355Ala (NM_001375417.1, NM_001375418.1, NM_001375419.1 and 14 more transcripts); short protein forms P355A.
Identifiers: ClinVar variation 2092808 (VCV002092808.4), dbSNP rs377282513, ClinGen allele CA4987928.